The following is an entry in ClinVar:

NM_005219.5(DIAPH1):c.3673G>T (p.Ala1225Ser)

Gene: DIAPH1 (diaphanous related formin 1; minus strand). Cytogenetic location: 5q31.3.
Variant type: single nucleotide variant.
Coding change: c.3673G>T on transcript NM_005219.5 (MANE Select); coding-DNA position 3673, G replaced by T.
Protein change: p.Ala1225Ser; replaces alanine 1225 with serine.
Molecular consequence: missense variant.
Genome position (GRCh38, 1-based): chr5:141,516,997, C>A on the plus strand (G>T on the coding strand, the complement: DIAPH1 is on the minus strand). VCF-style: chr5-141516997-C-A. GRCh37 (hg19) VCF-style: chr5-140896564-C-A.
Other names: c.3646G>T, p.Ala1216Ser (NM_001079812.3); c.3726G>T, p.Arg1242Ser (NM_001314007.2); short protein forms A1225S, A1216S, R1242S.
Identifiers: ClinVar variation 2945268 (VCV002945268.3), dbSNP rs754761532, ClinGen allele CA3478679.

ClinVar aggregate classification (germline): Uncertain significance (1 of 4 stars; one submission).

Conditions:
Autosomal dominant nonsyndromic hearing loss 1. Also called: KONIGSMARK SYNDROME; DEAFNESS, AUTOSOMAL DOMINANT 1, WITH OR WITHOUT THROMBOCYTOPENIA. Identifiers: Orphanet 90635, MedGen C1852282, MONDO:0007424, OMIM 124900.
Progressive microcephaly-seizures-cortical blindness-developmental delay syndrome. Also called: Seizures, cortical blindness, and microcephaly syndrome. Identifiers: Orphanet 477814, MedGen C5567650, MONDO:0014714, OMIM 616632.

Allele frequency attached by ClinVar (database versions not stated): gnomAD exomes below 0.00001; TOPMed below 0.00001; ExAC 0.00001.

Submission:

Labcorp Genetics (formerly Invitae), Labcorp
Classification: Uncertain significance for Progressive microcephaly-seizures-cortical blindness-developmental delay syndrome; Autosomal dominant nonsyndromic hearing loss 1. Last evaluated: 2026-01-05. Review status: criteria provided, single submitter. Criteria: Invitae Variant Classification Sherloc (09022015). Collection method: clinical testing. Allele origin: germline.
Comment: This sequence change replaces alanine, which is neutral and non-polar, with serine, which is neutral and polar, at codon 1225 of the DIAPH1 protein (p.Ala1225Ser). This variant is present in population databases (rs754761532, gnomAD 0.006%). This variant has not been reported in the literature in individuals affected with DIAPH1-related conditions. ClinVar contains an entry for this variant (Variation ID: 2945268). An algorithm developed to predict the effect of missense changes on protein structure and function (PolyPhen-2) suggests that this variant is likely to be tolerated. In summary, the available evidence is currently insufficient to determine the role of this variant in disease. Therefore, it has been classified as a Variant of Uncertain Significance.